The following is an entry in ClinVar:

NM_003924.4(PHOX2B):c.352G>T (p.Ala118Ser)

Gene: PHOX2B (paired like homeobox 2B; minus strand). Cytogenetic location: 4p13.
Variant type: single nucleotide variant.
Coding change: c.352G>T on transcript NM_003924.4 (MANE Select); coding-DNA position 352, G replaced by T.
Protein change: p.Ala118Ser; replaces alanine 118 with serine.
Molecular consequence: missense variant.
Genome position (GRCh38, 1-based): chr4:41,747,426, C>A on the plus strand (G>T on the coding strand, the complement: PHOX2B is on the minus strand). VCF-style: chr4-41747426-C-A. GRCh37 (hg19) VCF-style: chr4-41749443-C-A.
Other names: c.352G>T (NM_003924.3); short protein forms A118S.
Identifiers: ClinVar variation 1403019 (VCV001403019.7), dbSNP rs1733944708, ClinGen allele CA356740145.
Genomic context (GRCh38, chr4:41,747,426, plus strand): 5'-TGAGGTCGATCTTCAGGGCCAGCTCCTCCCGAGTGTAGATGTCGGGGTAGTGAGTCTCCG[C>A]GAAGACCCTTTCCAGCTCTTTGAGCTGGGCACTGGTGAAAGTGGTGCGGATGCGCCGCTG-3'
Protein context (NP_003915.2, residues 108-128): AQLKELERVF[Ala118Ser]ETHYPDIYTR

ClinVar aggregate classification (germline): Uncertain significance. Review status: criteria provided, multiple submitters, no conflicts (2 of 4 stars). 2 submissions from 2 submitters: Uncertain significance (2). Last evaluated 2025-04-20.

Conditions:
Hereditary cancer-predisposing syndrome. Also called: Hereditary neoplastic syndrome; Hereditary Cancer Syndrome; Neoplastic Syndromes, Hereditary; Tumor predisposition. Identifiers: Orphanet 140162, MedGen C0027672, MeSH D009386, MONDO:0015356.
Haddad syndrome (OHD). Also called: Ondine-Hirschsprung disease. Identifiers: Orphanet 99803, MedGen C1859049, MONDO:0020493.

Submissions (2):

Ambry Genetics
Classification: Uncertain significance for Hereditary cancer-predisposing syndrome. Last evaluated: 2025-04-20. Review status: criteria provided, single submitter. Criteria: Ambry Variant Classification Scheme 2023. Collection method: clinical testing. Allele origin: germline.
Comment: The p.A118S variant (also known as c.352G>T), located in coding exon 2 of the PHOX2B gene, results from a G to T substitution at nucleotide position 352. The alanine at codon 118 is replaced by serine, an amino acid with similar properties. This amino acid position is conserved. In addition, the in silico prediction for this alteration is inconclusive. Based on the available evidence, the clinical significance of this variant remains unclear.

Labcorp Genetics (formerly Invitae), Labcorp
Classification: Uncertain significance for Haddad syndrome. Last evaluated: 2021-11-12. Review status: criteria provided, single submitter. Criteria: Invitae Variant Classification Sherloc (09022015). Collection method: clinical testing. Allele origin: germline.
Comment: In summary, the available evidence is currently insufficient to determine the role of this variant in disease. Therefore, it has been classified as a Variant of Uncertain Significance. Algorithms developed to predict the effect of missense changes on protein structure and function (SIFT, PolyPhen-2, Align-GVGD) all suggest that this variant is likely to be disruptive. This variant has not been reported in the literature in individuals affected with PHOX2B-related conditions. This variant is not present in population databases (gnomAD no frequency). This sequence change replaces alanine, which is neutral and non-polar, with serine, which is neutral and polar, at codon 118 of the PHOX2B protein (p.Ala118Ser).